The following is an entry in ClinVar:

ClinVar aggregate classification (germline): Likely pathogenic (1 of 4 stars; one submission).

Conditions:
Developmental and epileptic encephalopathy, 50 (DEE50). Also called: Epileptic encephalopathy, early infantile, 50. Identifiers: Orphanet 448010, MedGen C4225320, MONDO:0014647, OMIM 616457.

Submission:

Dasa
Classification: Likely pathogenic for Developmental and epileptic encephalopathy, 50. Last evaluated: 2025-05-10. Review status: criteria provided, single submitter. Criteria: DASA Assertion Criteria. Collection method: clinical testing. Allele origin: germline.
Comment: NM_004341.5(CAD):c.5225_5227delinsG (p.Leu1742Argfs*15) is a frameshift variant in CAD predicted to alter the reading frame and introduce a premature termination codon and is predicted to result in an absent or altered protein product. Loss of function is an established disease mechanism for CAD-associated disorders. Also, this variant is absent from population databases. Based on the currently available evidence, this variant is classified as likely pathogenic.

NM_004341.5(CAD):c.5225_5227delinsG (p.Leu1742fs)

Gene: CAD (carbamoyl-phosphate synthetase 2, aspartate transcarbamylase, and dihydroorotase; plus strand). Cytogenetic location: 2p23.3.
Variant type: Indel.
Coding change: c.5225_5227delinsG on transcript NM_004341.5 (MANE Select); coding-DNA positions 5225 to 5227, TGC replaced by G.
Protein change: p.Leu1742fs; shifts the reading frame from leucine 1742.
Molecular consequence: frameshift variant.
Genome position (GRCh38, 1-based): chr2:27,239,204-27,239,206, TGC replaced by G. VCF-style: chr2-27239204-TGC-G. GRCh37 (hg19) VCF-style: chr2-27462072-TGC-G.
Other names: c.5036_5038delinsG, p.Leu1679fs (NM_001306079.2); short protein forms L1679fs, L1742fs.
Identifiers: ClinVar variation 4880689 (VCV004880689.2).